The following is an entry in ClinVar:

ClinVar aggregate classification (germline): Likely benign (1 of 4 stars; one submission).

Allele frequency attached by ClinVar (database versions not stated): ESP Exome Variant Server 0.00069; TOPMed 0.00060; gnomAD 0.00062.

Submission:

CeGaT Center for Human Genetics Tuebingen
Classification: Likely benign. Last evaluated: 2022-11-01. Review status: criteria provided, single submitter. Criteria: CeGaT Center For Human Genetics Tuebingen Variant Classification Criteria Version 2. Collection method: clinical testing. Allele origin: germline. Affected: yes. Observed: 1 variant allele.
Comment: PIF1: BP4, BP7

NM_001286496.2(PIF1):c.1053C>T (p.Thr351=)

Gene: PIF1 (PIF1 5'-to-3' DNA helicase; minus strand). Cytogenetic location: 15q22.31.
Variant type: single nucleotide variant.
Coding change: c.1053C>T on transcript NM_001286496.2 (MANE Select); coding-DNA position 1053, C replaced by T.
Protein change: p.Thr351=; no amino-acid change (threonine 351 retained).
Molecular consequence: synonymous variant.
Genome position (GRCh38, 1-based): chr15:64,821,200, G>A on the plus strand (C>T on the coding strand, the complement: PIF1 is on the minus strand). VCF-style: chr15-64821200-G-A. GRCh37 (hg19) VCF-style: chr15-65113399-G-A.
Other names: c.1053C>T, p.Thr351= (NM_001286497.2, NM_025049.4); c.894C>T, p.Thr298= (NM_001286499.2).
Identifiers: ClinVar variation 2645445 (VCV002645445.24), dbSNP rs140219128, ClinGen allele CA7611518.